The following is an entry in ClinVar:

NM_021930.6(RINT1):c.1587A>T (p.Arg529Ser)

Gene: RINT1 (RAD50 interactor 1; plus strand). Cytogenetic location: 7q22.3.
Variant type: single nucleotide variant.
Coding change: c.1587A>T on transcript NM_021930.6 (MANE Select); coding-DNA position 1587, A replaced by T.
Protein change: p.Arg529Ser; replaces arginine 529 with serine.
Molecular consequence: missense variant.
Genome position (GRCh38, 1-based): chr7:105,555,143, A>T. VCF-style: chr7-105555143-A-T. GRCh37 (hg19) VCF-style: chr7-105195590-A-T.
Other names: c.1353A>T, p.Arg451Ser (NM_001346599.2); c.564A>T, p.Arg188Ser (NM_001346600.2, NM_001346603.2); c.663A>T, p.Arg221Ser (NM_001346601.2); short protein forms R221S, R451S, R188S, R529S.
Identifiers: ClinVar variation 3314443 (VCV003314443.1).

ClinVar aggregate classification (germline): Uncertain significance (1 of 4 stars; one submission).

Submission:

Ambry Genetics
Classification: Uncertain significance. Last evaluated: 2024-04-01. Review status: criteria provided, single submitter. Criteria: Ambry Variant Classification Scheme 2023. Collection method: clinical testing. Allele origin: germline.
Comment: The p.R529S variant (also known as c.1587A>T), located in coding exon 11 of the RINT1 gene, results from an A to T substitution at nucleotide position 1587. The arginine at codon 529 is replaced by serine, an amino acid with dissimilar properties. This amino acid position is conserved. In addition, the in silico prediction for this alteration is inconclusive. Based on the available evidence, the clinical significance of this alteration remains unclear.